The following is an entry in ClinVar:

ClinVar aggregate classification (germline): Uncertain significance (1 of 4 stars; one submission).

Conditions:
Duchenne muscular dystrophy (DMD). Also called: MUSCULAR DYSTROPHY, PSEUDOHYPERTROPHIC PROGRESSIVE, DUCHENNE TYPE; Duchenne Muscular Dystrophy (DMD). Identifiers: Orphanet 98896, MedGen C0013264, MONDO:0010679, OMIM 310200.

Allele frequency attached by ClinVar (database versions not stated): TOPMed below 0.00001; gnomAD 0.00001; gnomAD exomes 0.00001.
gnomAD v4.1: 4 of 1,207,885 alleles (0.00033%); highest among the groups gnomAD compares: Non-Finnish European, 0.00045%; no homozygotes.

Submission:

Labcorp Genetics (formerly Invitae), Labcorp
Classification: Uncertain significance for Duchenne muscular dystrophy. Last evaluated: 2022-06-27. Review status: criteria provided, single submitter. Criteria: Invitae Variant Classification Sherloc (09022015). Collection method: clinical testing. Allele origin: germline.
Comment: In summary, the available evidence is currently insufficient to determine the role of this variant in disease. Therefore, it has been classified as a Variant of Uncertain Significance. This sequence change replaces valine, which is neutral and non-polar, with leucine, which is neutral and non-polar, at codon 2450 of the DMD protein (p.Val2450Leu). This variant is not present in population databases (gnomAD no frequency). This variant has not been reported in the literature in individuals affected with DMD-related conditions. Algorithms developed to predict the effect of missense changes on protein structure and function (SIFT, PolyPhen-2, Align-GVGD) all suggest that this variant is likely to be tolerated.

NM_004006.3(DMD):c.7348G>C (p.Val2450Leu)

Gene: DMD (dystrophin; minus strand). Cytogenetic location: Xp21.1.
Variant type: single nucleotide variant.
Coding change: c.7348G>C on transcript NM_004006.3 (MANE Select); coding-DNA position 7348, G replaced by C.
Protein change: p.Val2450Leu; replaces valine 2450 with leucine.
Molecular consequence: missense variant. On other transcripts: 5 prime UTR variant (5).
Genome position (GRCh38, 1-based): chrX:31,774,154, C>G on the plus strand (G>C on the coding strand, the complement: DMD is on the minus strand). VCF-style: chrX-31774154-C-G. GRCh37 (hg19) VCF-style: chrX-31792271-C-G.
Other names: c.7324G>C, p.Val2442Leu (NM_000109.4); c.7336G>C, p.Val2446Leu (NM_004009.3); c.6979G>C, p.Val2327Leu (NM_004010.3); c.3325G>C, p.Val1109Leu (NM_004011.4); c.3316G>C, p.Val1106Leu (NM_004012.4); c.-33G>C (NM_004013.3, NM_004020.4, NM_004021.3 and 2 more transcripts); short protein forms V1106L, V1109L, V2327L, V2442L, V2446L, V2450L.
Identifiers: ClinVar variation 1436112 (VCV001436112.6), dbSNP rs1348131883, ClinGen allele CA412659125.
Genomic context (GRCh38, chrX:31,774,154, plus strand): 5'-GTACCTCCAACATCAAGGAAGATGGCATTTCTAGTTTGGAGATGGCAGTTTCCTTAGTAA[C>G]CACAGGTTGTGTCACCAGAGTAACAGTCTGAGTAGGAGCTAAAATATTTTGGGTTTTTGC-3'
Protein context (NP_003997.2, residues 2440-2460): QTVTLVTQPV[Val2450Leu]TKETAISKLE